The following is an entry in ClinVar:

NM_001903.5(CTNNA1):c.2249_2251del (p.Ala750del)

Gene: CTNNA1 (catenin alpha 1; plus strand). Cytogenetic location: 5q31.2.
Variant type: Deletion.
Coding change: c.2249_2251del on transcript NM_001903.5 (MANE Select); coding-DNA positions 2249 to 2251, 3 bases deleted (CTG; older notation c.2249_2251delCTG).
Protein change: p.Ala750del; deletes alanine 750.
Genome position (GRCh38, 1-based): chr5:138,930,886-138,930,888, CTG deleted; deleting any 3 consecutive bases within chr5:138,930,884-138,930,888 gives the same sequence; the c. name uses the placement nearest the transcript's 3' end. VCF-style (leftmost placement, unchanged base first): chr5-138930883-TTGC-T. GRCh37 (hg19) VCF-style: chr5-138266572-TTGC-T.
Other names: c.2249_2251del, p.Ala750del (NM_001290307.3, NM_001323982.2, NM_001323983.1 and 2 more transcripts); c.1940_1942del, p.Ala647del (NM_001290309.3); c.1880_1882del, p.Ala627del (NM_001290310.3); c.1139_1141del, p.Ala380del (NM_001290312.1, NM_001323987.1, NM_001323988.1 and 17 more transcripts); c.2156_2158del, p.Ala719del (NM_001323986.2); c.800_802del, p.Ala267del (NM_001324006.1, NM_001324007.1, NM_001324008.1 and 2 more transcripts); c.1046_1048del, p.Ala349del (NM_001324011.1); c.896_898del, p.Ala299del (NM_001324012.1, NM_001324013.1); short protein forms A267del, A380del, A627del, A719del, A647del, A750del, A299del, A349del.
Identifiers: ClinVar variation 3646703 (VCV003646703.2).

ClinVar aggregate classification (germline): Uncertain significance (1 of 4 stars; one submission).

Submission:

Labcorp Genetics (formerly Invitae), Labcorp
Classification: Uncertain significance. Last evaluated: 2024-03-19. Review status: criteria provided, single submitter. Criteria: Invitae Variant Classification Sherloc (09022015). Collection method: clinical testing. Allele origin: germline.
Comment: This variant, c.2249_2251del, results in the deletion of 1 amino acid(s) of the CTNNA1 protein (p.Ala750del), but otherwise preserves the integrity of the reading frame. This variant is not present in population databases (gnomAD no frequency). This variant has not been reported in the literature in individuals affected with CTNNA1-related conditions. Experimental studies and prediction algorithms are not available or were not evaluated, and the functional significance of this variant is currently unknown. In summary, the available evidence is currently insufficient to determine the role of this variant in disease. Therefore, it has been classified as a Variant of Uncertain Significance.